The following is an entry in ClinVar:

NM_000163.5(GHR):c.616del (p.Lys205_Met206insTer)

Gene: GHR (growth hormone receptor; plus strand). Cytogenetic location: 5p12.
Variant type: Deletion.
Coding change: c.616del on transcript NM_000163.5 (MANE Select); coding-DNA position 616, one base deleted (A; older notation c.616delA).
Protein change: p.Lys205_Met206insTer.
Molecular consequence: nonsense.
Genome position (GRCh38, 1-based): chr5:42,700,000, A deleted; the last of 4 consecutive A bases (chr5:42,699,997-42,700,000); deleting any one gives the same sequence. VCF-style (leftmost placement, unchanged base first): chr5-42699996-GA-G. GRCh37 (hg19) VCF-style: chr5-42700098-GA-G.
Other names: c.637del, p.Lys212_Met213insTer (NM_001242399.2); c.616del, p.Lys205_Met206insTer (NM_001242400.2, NM_001242401.4, NM_001242402.2 and 5 more transcripts); c.550del, p.Lys183_Met184insTer (NM_001242460.2).
Identifiers: ClinVar variation 5006902 (VCV005006902.2).

ClinVar aggregate classification (germline): Likely pathogenic (1 of 4 stars; one submission).

Conditions:
Laron-type isolated somatotropin defect. Also called: GROWTH HORMONE RECEPTOR DEFICIENCY; Growth hormone binding protein deficiency or dysfunction; Growth hormone receptor deficiency or dysfunction; Laron dwarfism; Laron type pituitary dwarfism I; Laron Syndrome. Identifiers: Orphanet 633, MedGen C0271568, MONDO:0009877, OMIM 262500.

Submission:

Juno Genomics, Hangzhou Juno Genomics, Inc
Classification: Likely pathogenic for Laron-type isolated somatotropin defect. Review status: criteria provided, single submitter. Criteria: ACMG Guidelines, 2015. Collection method: clinical testing. Allele origin: germline.
Comment: Null variant in a gene where loss of function (LOF) is a known mechanism of disease.;Absent from controls (or at extremely low frequency if recessive) in Genome Aggregation Database.